The following is an entry in ClinVar:

NM_000460.4(THPO):c.141+8C>G

Gene: THPO (thrombopoietin; minus strand). Cytogenetic location: 3q27.1.
Variant type: single nucleotide variant.
Coding change: c.141+8C>G on transcript NM_000460.4 (MANE Select); 8 bases into the intron after coding-DNA position 141, C replaced by G.
Molecular consequence: intron variant.
Genome position (GRCh38, 1-based): chr3:184,375,880, G>C on the plus strand (C>G on the coding strand, the complement: THPO is on the minus strand). VCF-style: chr3-184375880-G-C. GRCh37 (hg19) VCF-style: chr3-184093668-G-C.
Other names: c.141+8C>G (NM_001290028.1, NM_001290026.1, NM_001290022.1 and 5 more transcripts); c.561+8C>G (NM_001290003.1).
Identifiers: ClinVar variation 4703317 (VCV004703317.1).

ClinVar aggregate classification (germline): Uncertain significance (1 of 4 stars; one submission).

gnomAD v4.1: 1 of 1,613,058 alleles (0.000062%); highest among the groups gnomAD compares: Non-Finnish European, 0.000085%; no homozygotes.

Submission:

Labcorp Genetics (formerly Invitae), Labcorp
Classification: Uncertain significance. Last evaluated: 2025-11-18. Review status: criteria provided, single submitter. Criteria: Invitae Variant Classification Sherloc (09022015). Collection method: clinical testing. Allele origin: germline.
Comment: This sequence change falls in intron 3 of the THPO gene. It does not directly change the encoded amino acid sequence of the THPO protein. This variant is not present in population databases (gnomAD no frequency). This variant has not been reported in the literature in individuals affected with THPO-related conditions. Algorithms developed to predict the effect of sequence changes on RNA splicing suggest that this variant may disrupt the consensus splice site. In summary, the available evidence is currently insufficient to determine the role of this variant in disease. Therefore, it has been classified as a Variant of Uncertain Significance.